The following is an entry in ClinVar:

NM_016341.4(PLCE1):c.6862C>A (p.Pro2288Thr)

Genes: PLCE1 (phospholipase C epsilon 1; plus strand), NOC3L (NOC3 like DNA replication regulator; minus strand). Cytogenetic location: 10q23.33.
Variant type: single nucleotide variant.
Coding change: c.6862C>A on transcript NM_016341.4 (MANE Select); coding-DNA position 6862, C replaced by A.
Protein change: p.Pro2288Thr; replaces proline 2288 with threonine.
Molecular consequence: missense variant.
Genome position (GRCh38, 1-based): chr10:94,325,033, C>A. VCF-style: chr10-94325033-C-A. GRCh37 (hg19) VCF-style: chr10-96084790-C-A.
Other names: c.6862C>A (NM_016341.3); c.5938C>A, p.Pro1980Thr (NM_001165979.2); c.6814C>A, p.Pro2272Thr (NM_001288989.2); short protein forms P1980T, P2272T, P2288T.
Identifiers: ClinVar variation 1658133 (VCV001658133.11), dbSNP rs571727623, ClinGen allele CA5613677.

ClinVar aggregate classification (germline): Benign/Likely benign. Review status: criteria provided, multiple submitters, no conflicts (2 of 4 stars). 3 submissions from 3 submitters: Benign (1); Likely benign (1). 1 of the submissions does not count toward it. Last evaluated 2025-12-08.

Conditions:
PLCE1-related disorder. Also called: PLCE1-related condition.
Nephrotic syndrome, type 3 (NPHS3). Also called: NEPHROTIC SYNDROME, EARLY-ONSET, TYPE 3. Identifiers: Orphanet 656, MedGen C1853124, MONDO:0012546, OMIM 610725.

Allele frequency attached by ClinVar (database versions not stated): gnomAD 0.00001 and 0.00016; gnomAD exomes 0.00020 and 0.00044; ExAC 0.00054; 1000 Genomes Project 0.00140; 1000 Genomes Project 30x 0.00141.
gnomAD v4.1: 318 of 1,614,180 alleles (0.02%); highest among the groups gnomAD compares: South Asian, 0.33%; 4 homozygotes.

Submissions (3):

Labcorp Genetics (formerly Invitae), Labcorp
Classification: Benign. Last evaluated: 2025-12-08. Review status: criteria provided, single submitter. Criteria: Invitae Variant Classification Sherloc (09022015). Collection method: clinical testing. Allele origin: germline.

Fulgent Genetics
Classification: Likely benign for Nephrotic syndrome, type 3. Last evaluated: 2021-09-22. Review status: criteria provided, single submitter. Criteria: ACMG Guidelines, 2015. Collection method: clinical testing. Allele origin: unknown.

PreventionGenetics, part of Exact Sciences
Classification: Likely benign for PLCE1-related condition. Last evaluated: 2021-12-13. Review status: no assertion criteria provided. Collection method: clinical testing. Allele origin: germline. Not counted in ClinVar's aggregate classification.
Comment: This variant is classified as likely benign based on ACMG/AMP sequence variant interpretation guidelines (Richards et al. 2015 PMID: 25741868, with internal and published modifications).